The following is an entry in ClinVar:

ClinVar aggregate classification (germline): Uncertain significance (1 of 4 stars; one submission).

gnomAD v4.1: 12 of 1,596,680 alleles (0.00075%); highest among the groups gnomAD compares: Admixed American, 0.0017%; no homozygotes.

Submission:

Dasa
Classification: Uncertain significance. Last evaluated: 2025-09-27. Review status: criteria provided, single submitter. Criteria: DASA Assertion Criteria. Collection method: clinical testing. Allele origin: germline.
Comment: NM_001606.5(ABCA2):c.3883-10G>T is a splice-region variant. This variant is rare in population databases. Computational prediction algorithms are consistent with a benign effect. The currently available literature and clinical evidence are not sufficient to establish a definitive association between this variant and the reported condition. Therefore, this variant is classified as a variant of uncertain significance.

NM_001606.5(ABCA2):c.3883-10G>T

Gene: ABCA2 (ATP binding cassette subfamily A member 2; minus strand). Cytogenetic location: 9q34.3.
Variant type: single nucleotide variant.
Coding change: c.3883-10G>T on transcript NM_001606.5 (MANE Select); 10 bases into the intron before coding-DNA position 3883, G replaced by T.
Molecular consequence: intron variant.
Genome position (GRCh38, 1-based): chr9:137,014,820, C>A on the plus strand (G>T on the coding strand, the complement: ABCA2 is on the minus strand). VCF-style: chr9-137014820-C-A. GRCh37 (hg19) VCF-style: chr9-139909272-C-A.
Other names: c.3973-10G>T (NM_212533.3); c.3880-10G>T (NM_001411042.1).
Identifiers: ClinVar variation 4885107 (VCV004885107.2).
Genomic context (GRCh38, chr9:137,014,820, plus strand): 5'-CATCAGCCCGAAGCTGCTGAGGTGCAGTGCATCCAGGCTGCGCTCCAGGTGCTGCAGGGG[C>A]GGTGGAGGGGGAGGCTGCGGCAGGGACGCCCAGGCAGGAGTGCGCCCACCTCCACCACCT-3'